The following is an entry in ClinVar:

ClinVar aggregate classification (germline): Conflicting classifications of pathogenicity. Review status: criteria provided, conflicting classifications (1 of 4 stars). 4 submissions from 4 submitters: Uncertain significance (3); Likely benign (1). Last evaluated 2026-01-19.

Conditions:
Charcot-Marie-Tooth disease. Also called: Charcot-Marie-Tooth Hereditary Neuropathy; Charcot-Marie-Tooth Neuropathy. Identifiers: Orphanet 166, MedGen C0007959, MONDO:0015626.
Charcot-Marie-Tooth disease type 2. Also called: Charcot-Marie-Tooth type 2. Identifiers: Orphanet 64746, MedGen C0270914, MONDO:0018993.

Allele frequency attached by ClinVar (database versions not stated): gnomAD exomes 0.00004 and 0.00003; TOPMed 0.00005; ExAC 0.00004; gnomAD 0.00001 and 0.00002; ESP Exome Variant Server 0.00008.
gnomAD v4.1: 49 of 1,614,058 alleles (0.003%); highest among the groups gnomAD compares: South Asian, 0.0099%; no homozygotes.

Submissions (4):

Labcorp Genetics (formerly Invitae), Labcorp
Classification: Uncertain significance for Charcot-Marie-Tooth disease type 2. Last evaluated: 2026-01-19. Review status: criteria provided, single submitter. Criteria: Invitae Variant Classification Sherloc (09022015). Collection method: clinical testing. Allele origin: germline.
Comment: This sequence change replaces isoleucine, which is neutral and non-polar, with threonine, which is neutral and polar, at codon 1569 of the KIF1B protein (p.Ile1569Thr). This variant is present in population databases (rs376471111, gnomAD 0.04%). This missense change has been observed in individual(s) with clinical features of Charcot-Marie-Tooth disease (PMID: 32376792). ClinVar contains an entry for this variant (Variation ID: 917110). An algorithm developed to predict the effect of missense changes on protein structure and function (PolyPhen-2) suggests that this variant is likely to be tolerated. In summary, the available evidence is currently insufficient to determine the role of this variant in disease. Therefore, it has been classified as a Variant of Uncertain Significance.

Dasa
Classification: Uncertain significance. Last evaluated: 2025-05-15. Review status: criteria provided, single submitter. Criteria: DASA Assertion Criteria. Collection method: clinical testing. Allele origin: germline.
Comment: NM_001365951.3(KIF1B):c.4844T>C (p.Ile1615Thr) is a missense variant that results in the substitution of isoleucine with threonine. This variant is rare in population databases. Computational prediction algorithms are consistent with a benign effect. The currently available literature and clinical evidence are not sufficient to establish a definitive association between this variant and the reported condition. Therefore, this variant is classified as a variant of uncertain significance.

Ambry Genetics
Classification: Likely benign. Last evaluated: 2025-01-15. Review status: criteria provided, single submitter. Criteria: Ambry Variant Classification Scheme 2023. Collection method: clinical testing. Allele origin: germline.

Molecular Genetics Laboratory, London Health Sciences Centre
Classification: Uncertain significance for Charcot-Marie-Tooth disease. Review status: criteria provided, single submitter. Criteria: ACMG Guidelines, 2015. Collection method: clinical testing. Allele origin: germline. Affected: yes.

Literature cited by the submitters: PubMed 32376792 (cited by Labcorp Genetics (formerly Invitae), Labcorp).

NM_001365951.3(KIF1B):c.4844T>C (p.Ile1615Thr)

Gene: KIF1B (kinesin family member 1B; plus strand). Cytogenetic location: 1p36.22.
Variant type: single nucleotide variant.
Coding change: c.4844T>C on transcript NM_001365951.3 (MANE Select); coding-DNA position 4844, T replaced by C.
Protein change: p.Ile1615Thr; replaces isoleucine 1615 with threonine.
Molecular consequence: missense variant.
Genome position (GRCh38, 1-based): chr1:10,371,160, T>C. VCF-style: chr1-10371160-T-C. GRCh37 (hg19) VCF-style: chr1-10431218-T-C.
Other names: c.4844T>C, p.Ile1615Thr (NM_001365952.1); c.4706T>C, p.Ile1569Thr (NM_015074.3); short protein forms I1569T, I1615T.
Identifiers: ClinVar variation 917110 (VCV000917110.15), dbSNP rs376471111, ClinGen allele CA582208.